The following is an entry in ClinVar:

ClinVar aggregate classification (germline): Uncertain significance (1 of 4 stars; one submission).

Submission:

GeneDx
Classification: Uncertain significance. Last evaluated: 2022-10-14. Review status: criteria provided, single submitter. Criteria: GeneDx Variant Classification Process June 2021. Collection method: clinical testing. Allele origin: germline. Affected: yes.
Comment: Not observed at significant frequency in large population cohorts (gnomAD); In silico analysis supports that this missense variant has a deleterious effect on protein structure/function; Has not been previously published as pathogenic or benign to our knowledge

NM_001378414.1(HDAC4):c.1058A>G (p.Asn353Ser)

Gene: HDAC4 (histone deacetylase 4; minus strand). Cytogenetic location: 2q37.3.
Variant type: single nucleotide variant.
Coding change: c.1058A>G on transcript NM_001378414.1 (MANE Select); coding-DNA position 1058, A replaced by G.
Protein change: p.Asn353Ser; replaces asparagine 353 with serine.
Molecular consequence: missense variant.
Genome position (GRCh38, 1-based): chr2:239,134,564, T>C on the plus strand (A>G on the coding strand, the complement: HDAC4 is on the minus strand). VCF-style: chr2-239134564-T-C. GRCh37 (hg19) VCF-style: chr2-240056260-T-C.
Other names: c.1058A>G, p.Asn353Ser (NM_001378415.1, NM_001378416.1, NM_001378417.1 and 1 more transcripts); short protein forms N353S.
Identifiers: ClinVar variation 2499395 (VCV002499395.1), dbSNP rs2472094723, ClinGen allele CA351270112.